The following is an entry in ClinVar:

NM_182961.4(SYNE1):c.9052G>T (p.Asp3018Tyr)

Gene: SYNE1 (spectrin repeat containing nuclear envelope protein 1; minus strand). Cytogenetic location: 6q25.2.
Variant type: single nucleotide variant.
Coding change: c.9052G>T on transcript NM_182961.4 (MANE Select); coding-DNA position 9052, G replaced by T.
Protein change: p.Asp3018Tyr; replaces aspartic acid 3018 with tyrosine.
Molecular consequence: missense variant.
Genome position (GRCh38, 1-based): chr6:152,376,870, C>A on the plus strand (G>T on the coding strand, the complement: SYNE1 is on the minus strand). VCF-style: chr6-152376870-C-A. GRCh37 (hg19) VCF-style: chr6-152698005-C-A.
Other names: c.9073G>T, p.Asp3025Tyr (NM_033071.5); short protein forms D3018Y, D3025Y.
Identifiers: ClinVar variation 569844 (VCV000569844.8), dbSNP rs910446340, ClinGen allele CA366142312.
Genomic context (GRCh38, chr6:152,376,870, plus strand): 5'-CACTGTAGGTACTCAGGTCTCTGGAAAATCGACAAAGTTCATTCAGCTGAGACTTGAGAT[C>A]CTCTGTTCTAGGCTCTGCTTTTTGCAAAGCATCCAGTATCTCCTGTTCAGAAATAATGAG-3'
Protein context (NP_892006.3, residues 3008-3028): ALQKAEPRTE[Asp3018Tyr]LKSQLNELCR

ClinVar aggregate classification (germline): Uncertain significance (1 of 4 stars; one submission).

Conditions:
Emery-Dreifuss muscular dystrophy 4, autosomal dominant (EDMD4). Also called: EMERY-DREIFUSS MUSCULAR DYSTROPHY 4 WITH VARIABLE FEATURES. Identifiers: Orphanet 261, MedGen C2751807, MONDO:0013071, OMIM 612998.
Autosomal recessive ataxia, Beauce type. Also called: SYNE1-Related Autosomal Recessive Cerebellar Ataxia; Spinocerebellar ataxia, autosomal recessive 8; ATAXIA, RECESSIVE, OF BEAUCE; SYNE1 Deficiency. Identifiers: Orphanet 88644, MedGen C1853116, MONDO:0012549, OMIM 610743.

Allele frequency attached by ClinVar (database versions not stated): gnomAD exomes below 0.00001; TOPMed below 0.00001.
gnomAD v4.1: 1 of 1,614,094 alleles (0.000062%); highest among the groups gnomAD compares: South Asian, 0.0011%; no homozygotes.

Submission:

Labcorp Genetics (formerly Invitae), Labcorp
Classification: Uncertain significance for Emery-Dreifuss muscular dystrophy 4, autosomal dominant; Autosomal recessive ataxia, Beauce type. Last evaluated: 2022-11-08. Review status: criteria provided, single submitter. Criteria: Invitae Variant Classification Sherloc (09022015). Collection method: clinical testing. Allele origin: germline.
Comment: In summary, the available evidence is currently insufficient to determine the role of this variant in disease. Therefore, it has been classified as a Variant of Uncertain Significance. Algorithms developed to predict the effect of missense changes on protein structure and function (SIFT, PolyPhen-2, Align-GVGD) all suggest that this variant is likely to be disruptive. ClinVar contains an entry for this variant (Variation ID: 569844). This variant has not been reported in the literature in individuals affected with SYNE1-related conditions. This variant is not present in population databases (gnomAD no frequency). This sequence change replaces aspartic acid, which is acidic and polar, with tyrosine, which is neutral and polar, at codon 3025 of the SYNE1 protein (p.Asp3025Tyr).